The following is an entry in ClinVar:

ClinVar aggregate classification (germline): Uncertain significance (1 of 4 stars; one submission).

Conditions:
Adams-Oliver syndrome 5 (AOS5). Identifiers: Orphanet 974, MedGen C4014970, MONDO:0014459, OMIM 616028.

Submission:

Labcorp Genetics (formerly Invitae), Labcorp
Classification: Uncertain significance for Adams-Oliver syndrome 5. Last evaluated: 2022-07-21. Review status: criteria provided, single submitter. Criteria: Invitae Variant Classification Sherloc (09022015). Collection method: clinical testing. Allele origin: germline.
Comment: This variant has not been reported in the literature in individuals affected with NOTCH1-related conditions. This sequence change falls in intron 26 of the NOTCH1 gene. It does not directly change the encoded amino acid sequence of the NOTCH1 protein. It affects a nucleotide within the consensus splice site. This variant is not present in population databases (gnomAD no frequency). Variants that disrupt the consensus splice site are a relatively common cause of aberrant splicing (PMID: 17576681, 9536098). Algorithms developed to predict the effect of sequence changes on RNA splicing suggest that this variant may disrupt the consensus splice site. In summary, the available evidence is currently insufficient to determine the role of this variant in disease. Therefore, it has been classified as a Variant of Uncertain Significance.

Literature cited by the submitters: PubMed 17576681; PubMed 9536098.

NM_017617.5(NOTCH1):c.5018+5G>A

Gene: NOTCH1 (notch receptor 1; minus strand). Cytogenetic location: 9q34.3.
Variant type: single nucleotide variant.
Coding change: c.5018+5G>A on transcript NM_017617.5 (MANE Select); 5 bases into the intron after coding-DNA position 5018, G replaced by A.
Molecular consequence: intron variant.
Genome position (GRCh38, 1-based): chr9:136,504,668, C>T on the plus strand (G>A on the coding strand, the complement: NOTCH1 is on the minus strand). VCF-style: chr9-136504668-C-T. GRCh37 (hg19) VCF-style: chr9-139399120-C-T.
Identifiers: ClinVar variation 2018772 (VCV002018772.4), dbSNP rs2133335599, ClinGen allele CA2580081162.